The following is an entry in ClinVar:

NM_001009944.3(PKD1):c.4220dup (p.Phe1408fs)

Gene: PKD1 (polycystin 1, transient receptor potential channel interacting; minus strand). Cytogenetic location: 16p13.3.
Variant type: Duplication.
Coding change: c.4220dup on transcript NM_001009944.3 (MANE Select); coding-DNA position 4220, one base duplicated (C; older notation c.4220dupC).
Protein change: p.Phe1408fs; shifts the reading frame from phenylalanine 1408.
Molecular consequence: frameshift variant.
Genome position (GRCh38, 1-based): chr16:2,110,947, G duplicated on the plus strand (C on the coding strand, the reverse complement: PKD1 is on the minus strand); the first of 5 consecutive G bases (chr16:2,110,947-2,110,951); duplicating any one gives the same sequence. VCF-style (leftmost placement, unchanged base first): chr16-2110946-C-CG. GRCh37 (hg19) VCF-style: chr16-2160947-C-CG.
Other names: c.4220dup, p.Phe1408fs (NM_000296.4); short protein forms F1408fs.
Identifiers: ClinVar variation 3335863 (VCV003335863.2).
Genomic context (GRCh38, chr16:2,110,946, plus strand): 5'-CCTGGCACGGGTGGGGGCGGCTTCCTCGGTGCCAAAGTCCCAGGTGTAGCGGTAGGGGAA[C>CG]GGGGGCCAGGCACATGCCACCAGCCAGGCCTCGTCCCCGAGCTGCACAAACTGCCTCTCT-3'

ClinVar aggregate classification (germline): Pathogenic (1 of 4 stars; one submission).

Conditions:
Polycystic kidney disease, adult type (PKD1). Also called: Polycystic Kidney, Autosomal Dominant; POLYCYSTIC KIDNEY DISEASE 1 WITH OR WITHOUT POLYCYSTIC LIVER DISEASE; POLYCYSTIC KIDNEY DISEASE, ADULT, TYPE I; Polycystic Kidney Disease 1, Autosomal Dominant; Polycystic kidney disease 1; Polycystic kidney disease 1, severe. Identifiers: MedGen C3149841, MONDO:0008263, OMIM 173900.

Submission:

Juno Genomics, Hangzhou Juno Genomics, Inc
Classification: Pathogenic for Polycystic kidney disease, adult type. Review status: criteria provided, single submitter. Criteria: ACMG Guidelines, 2015. Collection method: clinical testing. Allele origin: germline. Affected: yes.
Comment: Absent from controls (or at extremely low frequency if recessive) in Genome Aggregation Database, Exome Sequencing Project, 1000 Genomes Project, or Exome Aggregation Consortium.;Null variant in a gene where loss of function (LOF) is a known mechanism of disease.;The prevalence of the variant in affected individuals is significantly increased compared to the prevalence in controls.;Patient's phenotype or family history is highly specific for a disease with a single genetic etiology.